The following is an entry in ClinVar:

NM_006421.5(ARFGEF1):c.845C>A (p.Pro282His)

Gene: ARFGEF1 (ARF guanine nucleotide exchange factor 1; minus strand). Cytogenetic location: 8q13.2.
Variant type: single nucleotide variant.
Coding change: c.845C>A on transcript NM_006421.5 (MANE Select); coding-DNA position 845, C replaced by A.
Protein change: p.Pro282His; replaces proline 282 with histidine.
Molecular consequence: missense variant. On other transcripts: 5 prime UTR variant (1), non-coding transcript variant (1).
Genome position (GRCh38, 1-based): chr8:67,291,918, G>T on the plus strand (C>A on the coding strand, the complement: ARFGEF1 is on the minus strand). VCF-style: chr8-67291918-G-T. GRCh37 (hg19) VCF-style: chr8-68204153-G-T.
Other names: p.Pro282His; c.845C>A, p.Pro282His (NM_001413184.1, NM_001413185.1, NM_001413186.1 and 7 more transcripts); c.245C>A, p.Pro82His (NM_001413188.1, NM_001413193.1, NM_001413197.1); c.-271C>A (NM_001413196.1); short protein forms P282H, P82H.
Identifiers: ClinVar variation 4082208 (VCV004082208.1).
Genomic context (GRCh38, chr8:67,291,918, plus strand): 5'-GTTGCCTGATCAGCTTCAGTCTGTTCATTTTCTGCACTGGAAATATCAGATCCATTTTCA[G>T]GCTCTGTGTCATCCTGAAGACTTTTATCTACATCATTTGTATGGAGGTCAAGGTCCCCTT-3'
Protein context (NP_006412.2, residues 272-292): VDKSLQDDTE[Pro282His]ENGSDISSAE

ClinVar aggregate classification (germline): Uncertain significance (1 of 4 stars; one submission).

Conditions:
Developmental delay, impaired speech, and behavioral abnormalities, with or without seizures (DEDISB). Identifiers: MedGen C5575272, MONDO:0859263, OMIM 619964.

gnomAD v4.1: 6 of 1,613,790 alleles (0.00037%); highest among the groups gnomAD compares: South Asian, 0.0066%; no homozygotes.

Submission:

Foundation for Research in Genetics and Endocrinology, FRIGE's Institute of Human Genetics
Classification: Uncertain significance for Developmental delay, impaired speech, and behavioral abnormalities, with or without seizures. Last evaluated: 2025-08-19. Review status: criteria provided, single submitter. Criteria: ACMG Guidelines, 2015. Collection method: clinical testing. Allele origin: germline. Inheritance: Autosomal dominant inheritance. Affected: yes. Observed: 1 heterozygote.
Comment: A heterozygous missense variant in exon 6 of the ARFGEF1 gene that results in the amino acid substitution of Histidine for Proline at codon 282 (p.Pro282His) was detected. The variant has not been reported in the 1000 genomes databases and has a minor allele frequency of 0.0006%, 0.001% and 0.00038% in the gnomAD (v3.1), gnomAD (v2.1) and topmed databases respectively. The in silico predictions of the variant are damaging by SIFT and LRT. The reference codon is conserved across species. In summary, the variant meets our criteria to be classified as variant of uncertain significance.